The following is an entry in ClinVar:

NM_000038.6(APC):c.1530del (p.Phe510fs)

Gene: APC (APC regulator of Wnt signaling pathway; plus strand). Cytogenetic location: 5q22.2.
Variant type: Deletion.
Coding change: c.1530del on transcript NM_000038.6 (MANE Select); coding-DNA position 1530, one base deleted (T; older notation c.1530delT).
Protein change: p.Phe510fs; shifts the reading frame from phenylalanine 510.
Molecular consequence: frameshift variant.
Genome position (GRCh38, 1-based): chr5:112,827,229, T deleted; the last of 4 consecutive T bases (chr5:112,827,226-112,827,229); deleting any one gives the same sequence. VCF-style (leftmost placement, unchanged base first): chr5-112827225-CT-C. GRCh37 (hg19) VCF-style: chr5-112162922-CT-C.
Other names: c.1530del, p.Phe510fs (NM_001127510.3, NM_001354895.2); c.1476del, p.Phe492fs (NM_001127511.3); c.1584del, p.Phe528fs (NM_001354896.2); c.1560del, p.Phe520fs (NM_001354897.2); c.1455del, p.Phe485fs (NM_001354898.2); c.1446del, p.Phe482fs (NM_001354899.2); c.1407del, p.Phe469fs (NM_001354900.2); c.1353del, p.Phe451fs (NM_001354901.2); and 16 more; short protein forms F227fs, F350fs, F384fs, F485fs, F492fs, F510fs, F528fs, F409fs.
Identifiers: ClinVar variation 1704481 (VCV001704481.2), dbSNP rs1554081749, ClinGen allele CA2580072414.

ClinVar aggregate classification (germline): Pathogenic/Likely pathogenic. Review status: criteria provided, multiple submitters, no conflicts (2 of 4 stars). 2 submissions from 2 submitters: Pathogenic (1); Likely pathogenic (1). Last evaluated 2026-06-01.

Conditions:
Familial multiple polyposis syndrome (FAP). Also called: Familial adenomatous polyposis; Familial intestinal polyposis; Familial Adenomatous Polyposis (FAP); Classic familial adenomatous polyposis; Familial polyposis. Identifiers: Orphanet 733, MedGen C0032580, MONDO:0021055. Disease mechanism: loss of function.
Familial adenomatous polyposis 1 (FAP1). Also called: FAMILIAL ADENOMATOUS POLYPOSIS 1, ATTENUATED; POLYPOSIS, ADENOMATOUS INTESTINAL. Identifiers: MedGen C2713442, MONDO:0021056, OMIM 175100. Disease mechanism: loss of function.

Submissions (2):

Myriad Genetics, Inc.
Classification: Pathogenic for Familial adenomatous polyposis 1. Last evaluated: 2026-06-01. Review status: criteria provided, single submitter. Criteria: Myriad Autosomal Dominant, Autosomal Recessive and X-Linked Classification Criteria (2023). Collection method: clinical testing. Allele origin: unknown.
Comment: This variant is considered pathogenic. This variant creates a frameshift predicted to result in premature protein truncation.

Women's Health and Genetics/Laboratory Corporation of America, LabCorp
Classification: Likely pathogenic for Familial multiple polyposis syndrome. Last evaluated: 2022-07-15. Review status: criteria provided, single submitter. Criteria: LabCorp Variant Classification Summary - May 2015. Collection method: clinical testing. Allele origin: germline.
Comment: Variant summary: APC c.1530delT (p.Phe510LeufsX4) results in a premature termination codon, predicted to cause a truncation of the encoded protein or absence of the protein due to nonsense mediated decay, which are commonly known mechanisms for disease. Truncations downstream of this position have been classified as pathogenic by our laboratory. The variant allele was found at a frequency of 4e-06 in 251276 control chromosomes (gnomAD). c.1530delT has been reported in the literature in at least one individual affected with Familial Adenomatous Polyposis (e.g. Cao_2006). To our knowledge, no experimental evidence demonstrating an impact on protein function has been reported. No clinical diagnostic laboratories have submitted clinical-significance assessments for this variant to ClinVar after 2014. Based on the evidence outlined above, the variant was classified as likely pathogenic.

Literature cited by the submitters: PubMed 17026565 (cited by Women's Health and Genetics/Laboratory Corporation of America, LabCorp).